The following is an entry in ClinVar:

ClinVar aggregate classification (germline): Uncertain significance (1 of 4 stars; one submission).

Conditions:
Long QT syndrome (LQTS). Identifiers: MedGen C0023976, MeSH D008133, MONDO:0002442. Disease mechanism: loss of function. Inheritance: Various modes of inheritance.

Allele frequency attached by ClinVar (database versions not stated): gnomAD exomes below 0.00001.
gnomAD v4.1: 5 of 1,613,872 alleles (0.00031%); highest among the groups gnomAD compares: Non-Finnish European, 0.00042%; no homozygotes.

Submission:

Labcorp Genetics (formerly Invitae), Labcorp
Classification: Uncertain significance for Long QT syndrome. Last evaluated: 2022-02-24. Review status: criteria provided, single submitter. Criteria: Invitae Variant Classification Sherloc (09022015). Collection method: clinical testing. Allele origin: germline.
Comment: This sequence change affects codon 668 of the KCNH2 mRNA. It is a 'silent' change, meaning that it does not change the encoded amino acid sequence of the KCNH2 protein. This variant is present in population databases (no rsID available, gnomAD 0.0009%). This variant has not been reported in the literature in individuals affected with KCNH2-related conditions. ClinVar contains an entry for this variant (Variation ID: 948884). Algorithms developed to predict the effect of sequence changes on RNA splicing suggest that this variant may create or strengthen a splice site. In summary, the available evidence is currently insufficient to determine the role of this variant in disease. Therefore, it has been classified as a Variant of Uncertain Significance.

NM_000238.4(KCNH2):c.2004G>A (p.Ser668=)

Gene: KCNH2 (potassium voltage-gated channel subfamily H member 2; minus strand). Cytogenetic location: 7q36.1.
Variant type: single nucleotide variant.
Coding change: c.2004G>A on transcript NM_000238.4 (MANE Select); coding-DNA position 2004, G replaced by A.
Protein change: p.Ser668=; no amino-acid change (serine 668 retained).
Molecular consequence: synonymous variant. On other transcripts: non-coding transcript variant (2).
Genome position (GRCh38, 1-based): chr7:150,951,062, C>T on the plus strand (G>A on the coding strand, the complement: KCNH2 is on the minus strand). VCF-style: chr7-150951062-C-T. GRCh37 (hg19) VCF-style: chr7-150648150-C-T.
Other names: c.984G>A, p.Ser328= (NM_001204798.2, NM_172057.3); c.1716G>A, p.Ser572= (NM_001406753.1, NM_001406756.1); c.1827G>A, p.Ser609= (NM_001406755.1); c.1704G>A, p.Ser568= (NM_001406757.1); c.2004G>A, p.Ser668= (NM_172056.3).
Identifiers: ClinVar variation 948884 (VCV000948884.8), dbSNP rs1377228536, ClinGen allele CA458645448.